The following is an entry in ClinVar:

NM_000435.3(NOTCH3):c.118+20C>A

Gene: NOTCH3 (notch receptor 3; minus strand). Cytogenetic location: 19p13.12.
Variant type: single nucleotide variant.
Coding change: c.118+20C>A on transcript NM_000435.3 (MANE Select); 20 bases into the intron after coding-DNA position 118, C replaced by A.
Molecular consequence: intron variant.
Genome position (GRCh38, 1-based): chr19:15,200,768, G>T on the plus strand (C>A on the coding strand, the complement: NOTCH3 is on the minus strand). VCF-style: chr19-15200768-G-T. GRCh37 (hg19) VCF-style: chr19-15311579-G-T.
Identifiers: ClinVar variation 3050655 (VCV003050655.3), dbSNP rs563953597, ClinGen allele CA9264018.

ClinVar aggregate classification (germline): Likely benign. Review status: criteria provided, single submitter (1 of 4 stars). 2 submissions from 2 submitters: Likely benign (1). 1 of the submissions does not count toward it. Last evaluated 2024-11-15.

Conditions:
NOTCH3-related disorder. Also called: NOTCH3-related condition; NOTCH3-related disorders.

Allele frequency attached by ClinVar (database versions not stated): TOPMed 0.00003; gnomAD 0.00005; ExAC 0.00010; 1000 Genomes Project 30x 0.00016; 1000 Genomes Project 0.00020.
gnomAD v4.1: 181 of 1,283,752 alleles (0.014%); highest among the groups gnomAD compares: Non-Finnish European, 0.018%; no homozygotes.

Submissions (2):

Blueprint Genetics
Classification: Likely benign. Last evaluated: 2024-11-15. Review status: criteria provided, single submitter. Criteria: ACMG Guidelines, 2015. Collection method: clinical testing. Allele origin: germline.

PreventionGenetics, part of Exact Sciences
Classification: Likely benign for NOTCH3-related condition. Last evaluated: 2023-08-22. Review status: no assertion criteria provided. Collection method: clinical testing. Allele origin: germline. Not counted in ClinVar's aggregate classification.
Comment: This variant is classified as likely benign based on ACMG/AMP sequence variant interpretation guidelines (Richards et al. 2015 PMID: 25741868, with internal and published modifications).